The following is an entry in ClinVar:

NM_020975.6(RET):c.2833G>T (p.Val945Leu)

Gene: RET (ret proto-oncogene; plus strand). Cytogenetic location: 10q11.21.
Variant type: single nucleotide variant.
Coding change: c.2833G>T on transcript NM_020975.6 (MANE Select); coding-DNA position 2833, G replaced by T.
Protein change: p.Val945Leu; replaces valine 945 with leucine.
Molecular consequence: missense variant.
Genome position (GRCh38, 1-based): chr10:43,123,702, G>T. VCF-style: chr10-43123702-G-T. GRCh37 (hg19) VCF-style: chr10-43619150-G-T.
Other names: c.2107G>T, p.Val703Leu (NM_001406776.1, NM_001406777.1, NM_001406778.1 and 1 more transcripts); c.1936G>T, p.Val646Leu (NM_001406779.1, NM_001406780.1, NM_001406781.1 and 1 more transcripts); c.1807G>T, p.Val603Leu (NM_001406783.1, NM_001406786.1); c.1843G>T, p.Val615Leu (NM_001406784.1); c.1816G>T, p.Val606Leu (NM_001406785.1); c.1801G>T, p.Val601Leu (NM_001406787.1); c.1648G>T, p.Val550Leu (NM_001406788.1, NM_001406789.1, NM_001406790.1); c.1528G>T, p.Val510Leu (NM_001406791.1); and 10 more; short protein forms V462L, V691L, V849L, V900L, V550L, V603L, V606L, V799L.
Identifiers: ClinVar variation 1796618 (VCV001796618.4), dbSNP rs587780811, ClinGen allele CA376557780.

ClinVar aggregate classification (germline): Uncertain significance. Review status: criteria provided, multiple submitters, no conflicts (2 of 4 stars). 2 submissions from 2 submitters: Uncertain significance (2). Last evaluated 2024-04-16.

Conditions:
Hereditary cancer-predisposing syndrome. Also called: Tumor predisposition; Hereditary Cancer Syndrome; Neoplastic Syndromes, Hereditary; Hereditary neoplastic syndrome. Identifiers: Orphanet 140162, MedGen C0027672, MeSH D009386, MONDO:0015356.
Multiple endocrine neoplasia, type 2 (MEN2). Identifiers: Orphanet 653, MedGen C4048306, MONDO:0019003. Disease mechanism: gain of function.

Submissions (2):

All of Us Research Program, National Institutes of Health
Classification: Uncertain significance for Multiple endocrine neoplasia, type 2. Last evaluated: 2024-04-16. Review status: criteria provided, single submitter. Criteria: ACMG Guidelines, 2015. Collection method: clinical testing. Allele origin: germline. Inheritance: Autosomal dominant inheritance. Observed: 1 variant allele, 1 heterozygote.
Comment: This missense variant replaces valine with leucine at codon 945 of the RET protein. Computational prediction is inconclusive regarding the impact of this variant on protein structure and function (internally defined REVEL score threshold 0.5 < inconclusive < 0.7, PMID: 27666373). To our knowledge, functional studies have not been reported for this variant. This variant has not been reported in individuals affected with RET-related disorders in the literature. This variant has not been identified in the general population by the Genome Aggregation Database (gnomAD). The available evidence is insufficient to determine the role of this variant in disease conclusively. Therefore, this variant is classified as a Variant of Uncertain Significance.

This study involves interpretation of variants in research participants for the purpose of population health screening. Participant phenotype was not available at the time of variant classification. Additional details can be found in publication PMID: 35346344, PMCID: PMC8962531

Ambry Genetics
Classification: Uncertain significance for Hereditary cancer-predisposing syndrome. Last evaluated: 2022-04-19. Review status: criteria provided, single submitter. Criteria: Ambry Variant Classification Scheme 2023. Collection method: clinical testing. Allele origin: germline.
Comment: The p.V945L variant (also known as c.2833G>T), located in coding exon 17 of the RET gene, results from a G to T substitution at nucleotide position 2833. The valine at codon 945 is replaced by leucine, an amino acid with highly similar properties. This amino acid position is conserved. In addition, this alteration is predicted to be deleterious by in silico analysis. Since supporting evidence is limited at this time, the clinical significance of this alteration remains unclear.